The following is an entry in ClinVar:

ClinVar aggregate classification (germline): Uncertain significance. Review status: criteria provided, multiple submitters, no conflicts (2 of 4 stars). 3 submissions from 3 submitters: Uncertain significance (3). Last evaluated 2025-08-16.

Conditions:
Bethlem myopathy 1A. Also called: Bethlem Muscular Dystrophy; MYOPATHY, BENIGN CONGENITAL, WITH CONTRACTURES; Bethlem myopathy 1. Identifiers: Orphanet 610, MedGen CN029274, MONDO:0024530, OMIM 158810.

Allele frequency attached by ClinVar (database versions not stated): gnomAD exomes below 0.00001.
gnomAD v4.1: 2 of 1,612,450 alleles (0.00012%); highest among the groups gnomAD compares: Non-Finnish European, 0.00017%; no homozygotes.

Submissions (3):

Labcorp Genetics (formerly Invitae), Labcorp
Classification: Uncertain significance for Bethlem myopathy 1A. Last evaluated: 2025-08-16. Review status: criteria provided, single submitter. Criteria: Invitae Variant Classification Sherloc (09022015). Collection method: clinical testing. Allele origin: germline.
Comment: This sequence change replaces threonine, which is neutral and polar, with alanine, which is neutral and non-polar, at codon 127 of the COL6A1 protein (p.Thr127Ala). This variant is not present in population databases (gnomAD no frequency). This missense change has been observed in individual(s) with COL6A1-related conditions (PMID: 30564623). ClinVar contains an entry for this variant (Variation ID: 288282). Invitae Evidence Modeling of protein sequence and biophysical properties (such as structural, functional, and spatial information, amino acid conservation, physicochemical variation, residue mobility, and thermodynamic stability) indicates that this missense variant is not expected to disrupt COL6A1 protein function with a negative predictive value of 95%. This variant disrupts the p.Thr127 amino acid residue in COL6A1. Other variant(s) that disrupt this residue have been determined to be pathogenic (PMID: 28688748, 29419890). This suggests that this residue is clinically significant, and that variants that disrupt this residue are likely to be disease-causing. In summary, the available evidence is currently insufficient to determine the role of this variant in disease. Therefore, it has been classified as a Variant of Uncertain Significance.

Revvity Omics, Revvity
Classification: Uncertain significance. Last evaluated: 2021-08-09. Review status: criteria provided, single submitter. Criteria: ACMG Guidelines, 2015. Collection method: clinical testing. Allele origin: germline.

Eurofins Ntd Llc (ga)
Classification: Uncertain significance. Last evaluated: 2016-06-07. Review status: criteria provided, single submitter. Criteria: EGL Classification Definitions 2015. Collection method: clinical testing. Allele origin: germline. Observed: 1 variant allele, 1 heterozygote.

Literature cited by the submitters: PubMed 30564623 (cited by Labcorp Genetics (formerly Invitae), Labcorp); PubMed 28688748 (cited by Labcorp Genetics (formerly Invitae), Labcorp); PubMed 29419890 (cited by Labcorp Genetics (formerly Invitae), Labcorp).

NM_001848.3(COL6A1):c.379A>G (p.Thr127Ala)

Gene: COL6A1 (collagen type VI alpha 1 chain; plus strand). Cytogenetic location: 21q22.3.
Variant type: single nucleotide variant.
Coding change: c.379A>G on transcript NM_001848.3 (MANE Select); coding-DNA position 379, A replaced by G.
Protein change: p.Thr127Ala; replaces threonine 127 with alanine.
Molecular consequence: missense variant.
Genome position (GRCh38, 1-based): chr21:45,984,420, A>G. VCF-style: chr21-45984420-A-G. GRCh37 (hg19) VCF-style: chr21-47404334-A-G.
Other names: short protein forms T127A.
Identifiers: ClinVar variation 288282 (VCV000288282.9), dbSNP rs886043850, ClinGen allele CA10606028.